The following is an entry in ClinVar:

NM_001008212.2(OPTN):c.626+5del

Gene: OPTN (optineurin; plus strand). Cytogenetic location: 10p13.
Variant type: Deletion.
Coding change: c.626+5del on transcript NM_001008212.2 (MANE Select); 5 bases into the intron after coding-DNA position 626, one base deleted (G; older notation c.626+5delG).
Molecular consequence: intron variant.
Genome position (GRCh38, 1-based): chr10:13,116,345, G deleted. VCF-style (leftmost placement, unchanged base first): chr10-13116344-TG-T. GRCh37 (hg19) VCF-style: chr10-13158344-TG-T.
Other names: p.=; c.626+5del (NM_001008211.1, NM_001008213.1, NM_021980.4); c.626+5delG (NM_021980.4).
Identifiers: ClinVar variation 1038831 (VCV001038831.10), dbSNP rs776938424, ClinGen allele CA5410686.
Genomic context (GRCh38, chr10:13,116,344, plus strand): 5'-GTCAGTAAAAGAAATCAAGCATAGTCCTGGGCCCACGAGAACAGTCTCCACTGGCACGTA[TG>T]TGAAGGAAGACTCGGGCTGTCAGGCAGACAGGCTGGGCAGGCTCGTCACTGGGTGCTTGT-3'

ClinVar aggregate classification (germline): Uncertain significance. Review status: criteria provided, multiple submitters, no conflicts (2 of 4 stars). 3 submissions from 3 submitters: Uncertain significance (3). Last evaluated 2025-12-01.

Conditions:
Primary open angle glaucoma (POAG). Also called: OPTN-related open angle glaucoma. Identifiers: MedGen C0339573, MONDO:0100553, OMIM 137760.
Amyotrophic lateral sclerosis type 12 (ALS12). Also called: AMYOTROPHIC LATERAL SCLEROSIS 12 WITH OR WITHOUT FRONTOTEMPORAL DEMENTIA. Identifiers: Orphanet 803, MedGen C3150692, MONDO:0013264, OMIM 613435.
Glaucoma 1, open angle, E. Identifiers: MedGen C1842026, MONDO:0007665.
Inborn genetic diseases. Identifiers: MedGen C0950123, MeSH D030342.

Allele frequency attached by ClinVar (database versions not stated): gnomAD exomes below 0.00001 and 0.00004; ExAC 0.00001; gnomAD 0.00002; TOPMed 0.00002.

Submissions (3):

Labcorp Genetics (formerly Invitae), Labcorp
Classification: Uncertain significance for Primary open angle glaucoma; Glaucoma 1, open angle, E; Amyotrophic lateral sclerosis type 12. Last evaluated: 2025-12-01. Review status: criteria provided, single submitter. Criteria: Invitae Variant Classification Sherloc (09022015). Collection method: clinical testing. Allele origin: germline.
Comment: This sequence change falls in intron 5 of the OPTN gene. It does not directly change the encoded amino acid sequence of the OPTN protein. It affects a nucleotide within the consensus splice site. This variant is present in population databases (rs776938424, gnomAD 0.002%). This variant has not been reported in the literature in individuals affected with OPTN-related conditions. ClinVar contains an entry for this variant (Variation ID: 1038831). Variants that disrupt the consensus splice site are a relatively common cause of aberrant splicing (PMID: 17576681, 9536098). Algorithms developed to predict the effect of sequence changes on RNA splicing suggest that this variant may disrupt the consensus splice site. In summary, the available evidence is currently insufficient to determine the role of this variant in disease. Therefore, it has been classified as a Variant of Uncertain Significance.

Mayo Clinic Laboratories, Mayo Clinic
Classification: Uncertain significance. Last evaluated: 2024-10-09. Review status: criteria provided, single submitter. Criteria: ACMG Guidelines, 2015. Collection method: clinical testing. Allele origin: germline. Observed: 2 variant alleles.

Ambry Genetics
Classification: Uncertain significance for Inborn genetic diseases. Last evaluated: 2020-03-20. Review status: criteria provided, single submitter. Criteria: Ambry Variant Classification Scheme 2023. Collection method: clinical testing. Allele origin: germline.
Comment: The c.626+5delG intronic variant, located in intron 4 of the OPTN gene, results from a deletion of one nucleotide within intron 4 of the OPTN gene. This nucleotide position is highly conserved in available vertebrate species. In silico splice site analysis predicts that this alteration will weaken the native splice donor site. Since supporting evidence is limited at this time, the clinical significance of this alteration remains unclear.

Literature cited by the submitters: PubMed 17576681 (cited by Labcorp Genetics (formerly Invitae), Labcorp); PubMed 9536098 (cited by Labcorp Genetics (formerly Invitae), Labcorp).